The following is an entry in ClinVar:

ClinVar aggregate classification (germline): Uncertain significance. Review status: criteria provided, single submitter (1 of 4 stars). 2 submissions from 2 submitters: Uncertain significance (1). 1 of the submissions does not count toward it. Last evaluated 2024-04-22.

Conditions:
Cohen syndrome (COH1). Also called: Cutis verticis gyrata, retinitis pigmentosa, and sensorineural deafness; PEPPER SYNDROME. Identifiers: Orphanet 193, MedGen C0265223, MONDO:0008999, OMIM 216550.
VPS13B-related disorder. Also called: VPS13B-related condition.

Submissions (2):

Labcorp Genetics (formerly Invitae), Labcorp
Classification: Uncertain significance for Cohen syndrome. Last evaluated: 2024-04-22. Review status: criteria provided, single submitter. Criteria: Invitae Variant Classification Sherloc (09022015). Collection method: clinical testing. Allele origin: germline.
Comment: This sequence change replaces leucine, which is neutral and non-polar, with proline, which is neutral and non-polar, at codon 726 of the VPS13B protein (p.Leu726Pro). This variant is not present in population databases (gnomAD no frequency). This variant has not been reported in the literature in individuals affected with VPS13B-related conditions. Advanced modeling of protein sequence and biophysical properties (such as structural, functional, and spatial information, amino acid conservation, physicochemical variation, residue mobility, and thermodynamic stability) performed at Invitae indicates that this missense variant is expected to disrupt VPS13B protein function with a positive predictive value of 80%. In summary, the available evidence is currently insufficient to determine the role of this variant in disease. Therefore, it has been classified as a Variant of Uncertain Significance.

PreventionGenetics, part of Exact Sciences
Classification: Uncertain significance for VPS13B-related condition. Last evaluated: 2024-02-07. Review status: no assertion criteria provided. Collection method: clinical testing. Allele origin: germline. Not counted in ClinVar's aggregate classification.
Comment: The VPS13B c.2177T>C variant is predicted to result in the amino acid substitution p.Leu726Pro. To our knowledge, this variant has not been reported in the literature or in a large population database, indicating this variant is rare. At this time, the clinical significance of this variant is uncertain due to the absence of conclusive functional and genetic evidence.

NM_152564.5(VPS13B):c.2177T>C (p.Leu726Pro)

Gene: VPS13B (vacuolar protein sorting 13 homolog B; plus strand). Cytogenetic location: 8q22.2.
Variant type: single nucleotide variant.
Coding change: c.2177T>C on transcript NM_152564.5 (MANE Select); coding-DNA position 2177, T replaced by C.
Protein change: p.Leu726Pro; replaces leucine 726 with proline.
Molecular consequence: missense variant.
Genome position (GRCh38, 1-based): chr8:99,156,712, T>C. VCF-style: chr8-99156712-T-C. GRCh37 (hg19) VCF-style: chr8-100168940-T-C.
Other names: c.2177T>C, p.Leu726Pro (NM_015243.3, NM_017890.5); short protein forms L726P.
Identifiers: ClinVar variation 2715985 (VCV002715985.4), dbSNP rs2488834422, ClinGen allele CA371865197.